The following is an entry in ClinVar:

ClinVar aggregate classification (germline): Pathogenic. Review status: reviewed by expert panel (3 of 4 stars). 9 submissions from 9 submitters: Pathogenic (1). 8 of the submissions do not count toward it. Last evaluated 2025-07-29.

Conditions:
DYSF-related disorder. Also called: DYSF-related condition; DYSF-related disorders.
Autosomal recessive limb-girdle muscular dystrophy. Identifiers: Orphanet 102015, MedGen C2931907, MONDO:0015152.
Neuromuscular disease caused by qualitative or quantitative defects of dysferlin. Also called: Dysferlinopathy; Qualitative or quantitative defects of dysferlin. Identifiers: Orphanet 207073, MedGen C2931687, MONDO:0016145.
Autosomal recessive limb-girdle muscular dystrophy type 2B (LGMDR2). Also called: MUSCULAR DYSTROPHY, LIMB-GIRDLE, AUTOSOMAL RECESSIVE 2; Limb-girdle muscular dystrophy, type 2B; Limb-Girdle Muscular Dystrophy Type 2B (LGMD2B); MUSCULAR DYSTROPHY, LIMB-GIRDLE, TYPE 3. Identifiers: Orphanet 268, MedGen C1850889, MONDO:0009676, OMIM 253601.
Miyoshi muscular dystrophy 1 (MMD1). Identifiers: Orphanet 45448, MedGen C4551973, MONDO:0024545, OMIM 254130.

Allele frequency attached by ClinVar (database versions not stated): gnomAD exomes below 0.00001 and 0.00001; TOPMed below 0.00001; gnomAD 0.00001.
gnomAD v4.1: 10 of 1,600,704 alleles (0.00062%); highest among the groups gnomAD compares: Non-Finnish European, 0.00085%; no homozygotes.

Submissions (9):

ClinGen Limb Girdle Muscular Dystrophy Variant Curation Expert Panel, ClinGen
Classification: Pathogenic for Autosomal recessive limb-girdle muscular dystrophy. Last evaluated: 2025-07-29. Review status: reviewed by expert panel. Criteria: ClinGen LGMD VCEP ACMG Specifications DYSF V1.0.0. Collection method: curation. Allele origin: germline. Inheritance: Autosomal recessive inheritance.
Comment: The NM_003494.4: c.1639-6T>A variant in DYSF, which is also known as NM_001130987.2: c.1693-6T>A, occurs within the splice acceptor region of intron 18. SpliceAI gives a delta score of 0.4 for weakening of the canonical acceptor (alt score 0.59) and of 0.98 for the creation of a cryptic acceptor at the -4 position. RNAseq analysis has demonstrated use of the cryptic splice acceptor site that results in the retention of 4 bp of intronic DNA, which leads to a frameshift and premature truncation, p.Gly547AlafsTer24, with nonsense mediated decay expected; however, the extent to which use of the canonical acceptor was retained was not quantitatively determined (PVS1_Moderate_RNA; PMID: 36983702). This variant has been reported in at least five individuals with features consistent with LGMD (PMID: 36983702, 21522182, 30564623, 32528171, 19154541; LOVD Individual #00313788; MYO-SEQ study internal data communication), including in a homozygous state without reported consanguinity in two unrelated cases (1.0 pt, PMID: 21522182, 19154541) and confirmed in trans with a likely pathogenic or pathogenic variant (NM_003494.4: c.6217A>G p.(Met2073Val), 1.0 pt, LOVD Individual #00313788). At least one individual with this variant and a second DYSF variant displayed progressive limb girdle muscle weakness and severely reduced or absent dysferlin protein expression, which is highly specific for DYSF-related LGMD (PMID: 21522182, 36983702, 19154541; PP4_Strong). One affected family member was shown to have the same two DYSF variants as their affected sibling, but phase was not confirmed (PMID: 36983702; PP1 not met). The filtering allele frequency for this variant is 0.000013033 in gnomAD v4.1.0 exomes (the upper bound of the 95% CI of 8/1107558 European (non-Finnish) chromosomes), which is lower than the ClinGen LGMD VCEP threshold (0.0001) for PM2_Supporting, meeting this criterion (PM2_Supporting). In summary, this variant meets the criteria to be classified as Pathogenic for autosomal recessive limb girdle muscular dystrophy based on the ACMG/AMP criteria applied, as specified by the ClinGen LGMD VCEP (LGMD VCEP specifications version 1.0.0; 07/29/2025): PVS1_Moderate_RNA, PM3_Strong, PP4_Strong, PM2_Supporting.

Blueprint Genetics
Classification: Pathogenic for DYSF-related disorders. Last evaluated: 2024-09-23. Review status: criteria provided, single submitter. Criteria: ACMG Guidelines, 2015. Collection method: clinical testing. Allele origin: germline. Affected: yes. Observed: 5 variant alleles. Not counted in ClinVar's aggregate classification.

Labcorp Genetics (formerly Invitae), Labcorp
Classification: Pathogenic for Neuromuscular disease caused by qualitative or quantitative defects of dysferlin. Last evaluated: 2024-02-06. Review status: criteria provided, single submitter. Criteria: Invitae Variant Classification Sherloc (09022015). Collection method: clinical testing. Allele origin: germline. Not counted in ClinVar's aggregate classification.
Comment: This sequence change falls in intron 18 of the DYSF gene. It does not directly change the encoded amino acid sequence of the DYSF protein. RNA analysis indicates that this variant induces altered splicing and may result in an absent or disrupted protein product. The frequency data for this variant in the population databases is considered unreliable, as metrics indicate poor data quality at this position in the gnomAD database. This variant has been observed in individual(s) with clinical features of limb-girdle muscular dystrophy (PMID: 19154541, 21522182, 24488599, 30919934). ClinVar contains an entry for this variant (Variation ID: 265488). Studies have shown that this variant results in insertion of 4 nucleotides from intron 18 and introduces a premature termination codon (PMID: 21522182, 25312915). The resulting mRNA is expected to undergo nonsense-mediated decay. For these reasons, this variant has been classified as Pathogenic.

Baylor Genetics
Classification: Pathogenic for Miyoshi muscular dystrophy 1. Last evaluated: 2023-12-21. Review status: criteria provided, single submitter. Criteria: ACMG Guidelines, 2015. Collection method: clinical testing. Allele origin: unknown. Not counted in ClinVar's aggregate classification.

Jain Foundation
Classification: Pathogenic for Dysferlinopathy. Last evaluated: 2023-03-13. Review status: criteria provided, single submitter. Criteria: Rufibach et al. (J Pers Med. 2023). Collection method: research. Allele origin: unknown, not applicable. Inheritance: Autosomal recessive inheritance. Affected: yes. Observed: 1 compound heterozygote. Functional consequence: sequence_variant_affecting_splicing. Not counted in ClinVar's aggregate classification.
Comment: This variant has been observed in individuals with clinical features of dysferlinopathy in both the homozygous state (PMID: 21522182) and in the heterzygous state in conjunction with another pathogenic DYSF variant c.5503A>G (PMID:30564623, 36983702). It has also been identified in one family with dysferlinopathy, segregating with the disease in 2 affected siblings, and was associated with absent dysferlin protein expression (PMID:36983702). RNAseq showed that the c.1639-6T>A variant leads to the use of a cryptic splice acceptor site in intron 18 that results in the retention of 4 bps of intronic DNA in exon 19 after splicing which leads to a frameshift (p.Gly547AlafsX24; PMID:36983702). The ACMG classification criteria are: PM2 moderate, PM3 moderate, PP1 supporting, PP4 moderate, and PS3 strong. Based on the above data, this variant has been classified as Pathogenic.

Eurofins Ntd Llc (ga)
Classification: Pathogenic. Last evaluated: 2018-03-20. Review status: criteria provided, single submitter. Criteria: EGL ClinVar v180209 classification definitions. Collection method: clinical testing. Allele origin: germline. Observed: 2 variant alleles, 1 heterozygote, 1 homozygote. Not counted in ClinVar's aggregate classification.

GeneDx
Classification: Pathogenic. Last evaluated: 2017-08-31. Review status: criteria provided, single submitter. Criteria: GeneDx Variant Classification (06012015). Collection method: clinical testing. Allele origin: germline. Affected: yes. Not counted in ClinVar's aggregate classification.
Comment: The c.1639-6T>A pathogenic variant in the DYSF gene has been reported previously in association with DYSF-related disorders when present in the homozygous state or when seen with another variant (Kesper et al., 2009; Ankala et al., 2014; Cacciottolo et al., 2011). Functional studies demonstrate the use of a cryptic acceptor site of intron 19 that results in the retention of 4 base pairs of intronic DNA, which is predicted to result in a truncated protein (Cacciottolo et al., 2011; Kergourlay et al., 2014). The c.1639-6T>A variant was not observed in approximately 6,500 individuals of European and African American ancestry in the NHLBI Exome Sequencing Project, indicating it is not a common benign variant in these populations. We interpret c.1639-6T>A as a pathogenic variant.

Natera, Inc.
Classification: Pathogenic for Limb-girdle muscular dystrophy type 2B. Last evaluated: 2020-12-01. Review status: no assertion criteria provided. Collection method: clinical testing. Allele origin: germline. Not counted in ClinVar's aggregate classification.

Counsyl
Classification: Likely pathogenic for Autosomal recessive limb-girdle muscular dystrophy type 2B. Last evaluated: 2017-02-01. Review status: no assertion criteria provided. Collection method: clinical testing. Allele origin: unknown. Not counted in ClinVar's aggregate classification.

Literature cited by the submitters: PubMed 19154541 (cited by Labcorp Genetics (formerly Invitae), Labcorp and Counsyl); PubMed 21522182 (cited by 4 submitters); PubMed 24488599 (cited by 3 submitters); PubMed 30919934 (cited by Labcorp Genetics (formerly Invitae), Labcorp); PubMed 25312915 (cited by 3 submitters); PubMed 30564623 (cited by Jain Foundation); PubMed 27602406 (cited by Counsyl).

NM_001130987.2(DYSF):c.1693-6T>A

Gene: DYSF (dysferlin; plus strand). Cytogenetic location: 2p13.2.
Variant type: single nucleotide variant.
Coding change: c.1693-6T>A on transcript NM_001130987.2 (MANE Select); 6 bases into the intron before coding-DNA position 1693, T replaced by A.
Molecular consequence: intron variant.
Genome position (GRCh38, 1-based): chr2:71,551,601, T>A. VCF-style: chr2-71551601-T-A. GRCh37 (hg19) VCF-style: chr2-71778731-T-A.
Other names: c.1732-6T>A (NM_001130979.2); c.1690-6T>A (NM_001130981.2, NM_001130980.2); c.1639-6T>A (NM_001130978.2, NM_003494.4); c.1597-6T>A (NM_001130977.2, NM_001130976.2); c.1735-6T>A (NM_001130982.2); c.1693-6T>A (NM_001130985.2); c.1642-6T>A (NM_001130983.2, NM_001130455.2); c.1600-6T>A (NM_001130984.2, NM_001130986.2).
Identifiers: ClinVar variation 265488 (VCV000265488.23), dbSNP rs886039573, ClinGen allele CA10588347.
Genomic context (GRCh38, chr2:71,551,601, plus strand): 5'-GTGCCCCTTTCCTTCCCCTCCTCCCCTCTGTCTCCCCTGCTCCTTGTGACCTGACCTCCC[T>A]GGCAGGGGGAAGGTGTGGCTTATCGTGGCCGGCTTCTGCTCTCCCTGGAGACCAAGCTGG-3'